The following is an entry in ClinVar:

ClinVar aggregate classification (germline): Uncertain significance (1 of 4 stars; one submission).

Conditions:
Hyper-IgM syndrome type 5 (HIGM5). Also called: Hyper-IgM Immunodeficiency Syndrome, Type 5. Identifiers: Orphanet 101092, MedGen C1720958, MONDO:0011971, OMIM 608106.

Allele frequency attached by ClinVar (database versions not stated): gnomAD exomes below 0.00001.
gnomAD v4.1: 2 of 1,614,114 alleles (0.00012%); highest among the groups gnomAD compares: South Asian, 0.0011%; no homozygotes.

Submission:

Labcorp Genetics (formerly Invitae), Labcorp
Classification: Uncertain significance for Hyper-IgM syndrome type 5. Last evaluated: 2023-12-19. Review status: criteria provided, single submitter. Criteria: Invitae Variant Classification Sherloc (09022015). Collection method: clinical testing. Allele origin: germline.
Comment: This sequence change replaces aspartic acid, which is acidic and polar, with asparagine, which is neutral and polar, at codon 309 of the UNG protein (p.Asp309Asn). This variant is not present in population databases (gnomAD no frequency). This variant has not been reported in the literature in individuals affected with UNG-related conditions. Advanced modeling of protein sequence and biophysical properties (such as structural, functional, and spatial information, amino acid conservation, physicochemical variation, residue mobility, and thermodynamic stability) performed at Invitae indicates that this missense variant is not expected to disrupt UNG protein function with a negative predictive value of 80%. In summary, the available evidence is currently insufficient to determine the role of this variant in disease. Therefore, it has been classified as a Variant of Uncertain Significance.

NM_080911.3(UNG):c.925G>A (p.Asp309Asn)

Gene: UNG (uracil DNA glycosylase; plus strand). Cytogenetic location: 12q24.11.
Variant type: single nucleotide variant.
Coding change: c.925G>A on transcript NM_080911.3 (MANE Select); coding-DNA position 925, G replaced by A.
Protein change: p.Asp309Asn; replaces aspartic acid 309 with asparagine.
Molecular consequence: missense variant.
Genome position (GRCh38, 1-based): chr12:109,109,952, G>A. VCF-style: chr12-109109952-G-A. GRCh37 (hg19) VCF-style: chr12-109547757-G-A.
Other names: c.898G>A, p.Asp300Asn (NM_003362.4); short protein forms D309N, D300N.
Identifiers: ClinVar variation 2704011 (VCV002704011.3), dbSNP rs2499990969, ClinGen allele CA386476421.